The following is an entry in ClinVar:

ClinVar aggregate classification (germline): Uncertain significance (1 of 4 stars; one submission).

gnomAD v4.1: 3 of 1,613,406 alleles (0.00019%); highest among the groups gnomAD compares: Non-Finnish European, 0.00017%; no homozygotes.

Submission:

CeGaT Center for Human Genetics Tuebingen
Classification: Uncertain significance. Last evaluated: 2026-09-01. Review status: criteria provided, single submitter. Criteria: CeGaT Center For Human Genetics Tuebingen Variant Classification Criteria Version 2. Collection method: clinical testing. Allele origin: germline. Affected: yes. Observed: 1 variant allele.
Comment: COL6A1: PM2

NM_001848.3(COL6A1):c.1027C>T (p.Pro343Ser)

Gene: COL6A1 (collagen type VI alpha 1 chain; plus strand). Cytogenetic location: 21q22.3.
Variant type: single nucleotide variant.
Coding change: c.1027C>T on transcript NM_001848.3 (MANE Select); coding-DNA position 1027, C replaced by T.
Protein change: p.Pro343Ser; replaces proline 343 with serine.
Molecular consequence: missense variant.
Genome position (GRCh38, 1-based): chr21:45,990,797, C>T. VCF-style: chr21-45990797-C-T. GRCh37 (hg19) VCF-style: chr21-47410711-C-T.
Other names: short protein forms P343S.
Identifiers: ClinVar variation 5041525 (VCV005041525.1).